The following is an entry in ClinVar:

NM_000551.4(VHL):c.340+761T>C

Genes: VHL (von Hippel-Lindau tumor suppressor; plus strand), LOC107303340 (3p25 von Hippel-Lindau tumor suppressor, E3 ubiquitin protein ligase Alu-mediated recombination region; plus strand). Cytogenetic location: 3p25.3.
Variant type: single nucleotide variant.
Coding change: c.340+761T>C on transcript NM_000551.4 (MANE Select); 761 bases into the intron after coding-DNA position 340, T replaced by C.
Molecular consequence: intron variant. On other transcripts: missense variant (1).
Genome position (GRCh38, 1-based): chr3:10,142,948, T>C. VCF-style: chr3-10142948-T-C. GRCh37 (hg19) VCF-style: chr3-10184632-T-C.
Other names: c.526T>C, p.Cys176Arg (NM_001354723.2); c.340+761T>C (NM_198156.3); short protein forms C176R.
Identifiers: ClinVar variation 2117531 (VCV002117531.4), dbSNP rs2125126074, ClinGen allele CA2580068446.

ClinVar aggregate classification (germline): Uncertain significance (1 of 4 stars; one submission).

Conditions:
Von Hippel-Lindau syndrome (VHLS). Also called: VHL syndrome; Von Hippel-Lindau; von Hippel–Lindau syndrome. Identifiers: Orphanet 892, MedGen C0019562, MONDO:0008667, OMIM 193300. Disease mechanism: loss of function.
Chuvash polycythemia. Also called: POLYCYTHEMIA, VHL-DEPENDENT. Identifiers: Orphanet 238557, MedGen C1837915, MONDO:0009892, OMIM 263400.

Allele frequency attached by ClinVar (database versions not stated): gnomAD 0.00001.
gnomAD v4.1: 1 of 152,506 alleles (0.00066%); highest among the groups gnomAD compares: Non-Finnish European, 0.0015%; no homozygotes.

Submission:

Labcorp Genetics (formerly Invitae), Labcorp
Classification: Uncertain significance for Von Hippel-Lindau syndrome; Chuvash polycythemia. Last evaluated: 2024-02-15. Review status: criteria provided, single submitter. Criteria: Invitae Variant Classification Sherloc (09022015). Collection method: clinical testing. Allele origin: germline.
Comment: This sequence change falls in intron 1 of the VHL gene. It is not expected to change the encoded amino acid sequence of the VHL protein. However, this sequence change falls within a cryptic exon in the VHL gene, known as exon E1’, which is naturally expressed at low levels in several human tissues (PMID: 29891534). This variant is not present in population databases (gnomAD no frequency). This variant has not been reported in the literature in individuals affected with VHL-related conditions. ClinVar contains an entry for this variant (Variation ID: 2117531). Studies have shown that this variant is associated with inconclusive levels of altered splicing (Invitae). In summary, the available evidence is currently insufficient to determine the role of this variant in disease. Therefore, it has been classified as a Variant of Uncertain Significance.

Literature cited by the submitters: PubMed 29891534.